The following is an entry in ClinVar:

NM_153240.5(NPHP3):c.824-94A>G

Genes: NPHP3 (nephrocystin 3; minus strand), NPHP3-ACAD11 (NPHP3-ACAD11 readthrough (NMD candidate); minus strand). Cytogenetic location: 3q22.1.
Variant type: single nucleotide variant.
Coding change: c.824-94A>G on transcript NM_153240.5 (MANE Select); 94 bases into the intron before coding-DNA position 824, A replaced by G.
Molecular consequence: intron variant.
Genome position (GRCh38, 1-based): chr3:132,715,312, T>C on the plus strand (A>G on the coding strand, the complement: NPHP3 is on the minus strand). VCF-style: chr3-132715312-T-C. GRCh37 (hg19) VCF-style: chr3-132434156-T-C.
Identifiers: ClinVar variation 674997 (VCV000674997.2), dbSNP rs17414558, ClinGen allele CA15283053.

ClinVar aggregate classification (germline): Benign. Review status: criteria provided, multiple submitters, no conflicts (2 of 4 stars). 2 submissions from 2 submitters: Benign (2). Last evaluated 2018-06-16.

Allele frequency attached by ClinVar (database versions not stated): 1000 Genomes Project 30x 0.08698; TOPMed 0.08897; 1000 Genomes Project 0.09085.
gnomAD v4.1: 116,062 of 998,994 alleles (12%); highest among the groups gnomAD compares: Middle Eastern, 15%; 7,198 homozygotes.

Submissions (2):

GeneDx
Classification: Benign. Last evaluated: 2018-06-16. Review status: criteria provided, single submitter. Criteria: GeneDx Variant Classification (06012015). Collection method: clinical testing. Allele origin: germline. Affected: yes.
Comment: This variant is considered likely benign or benign based on one or more of the following criteria: it is a conservative change, it occurs at a poorly conserved position in the protein, it is predicted to be benign by multiple in silico algorithms, and/or has population frequency not consistent with disease.

Breakthrough Genomics
Classification: Benign. Review status: criteria provided, single submitter. Criteria: ACMG Guidelines, 2015. Collection method: not provided. Allele origin: germline. Inheritance: Autosomal recessive inheritance. Affected: yes.